The following is an entry in ClinVar:

ClinVar aggregate classification (germline): Conflicting classifications of pathogenicity. Review status: criteria provided, conflicting classifications (1 of 4 stars). 5 submissions from 5 submitters: Uncertain significance (3); Likely benign (2). Last evaluated 2025-06-13.

Conditions:
Aortic valve disease 2 (AOVD2). Identifiers: MedGen C3542024, MONDO:0013902, OMIM 614823.
TBX5-related disorder. Also called: TBX5-related condition.
Cardiovascular phenotype. Identifiers: MedGen CN230736.

Allele frequency attached by ClinVar (database versions not stated): ExAC 0.00001; gnomAD exomes 0.00002; gnomAD 0.00004 and 0.00009; TOPMed 0.00008; 1000 Genomes Project 30x 0.00016; 1000 Genomes Project 0.00020.
gnomAD v4.1: 42 of 1,614,180 alleles (0.0026%); highest among the groups gnomAD compares: Middle Eastern, 0.033%; no homozygotes.

Submissions (5):

PreventionGenetics, part of Exact Sciences
Classification: Uncertain significance for TBX5-related condition. Last evaluated: 2025-06-13. Review status: criteria provided, single submitter. Criteria: ACMG Guidelines, 2015. Collection method: clinical testing. Allele origin: germline.
Comment: The TBX5 c.1477G>A variant is predicted to result in the amino acid substitution p.Val493Met. To our knowledge, this variant has not been reported in the literature. This variant is reported in 0.0040% of alleles in individuals of African descent in gnomAD. At this time, the clinical significance of this variant is uncertain due to the absence of conclusive functional and genetic evidence.

Labcorp Genetics (formerly Invitae), Labcorp
Classification: Likely benign for Aortic valve disease 2. Last evaluated: 2025-03-25. Review status: criteria provided, single submitter. Criteria: Invitae Variant Classification Sherloc (09022015). Collection method: clinical testing. Allele origin: germline.

Ambry Genetics
Classification: Uncertain significance for Cardiovascular phenotype. Last evaluated: 2024-10-19. Review status: criteria provided, single submitter. Criteria: Ambry Variant Classification Scheme 2023. Collection method: clinical testing. Allele origin: germline.

Blueprint Genetics
Classification: Likely benign. Last evaluated: 2024-08-06. Review status: criteria provided, single submitter. Criteria: ACMG Guidelines, 2015. Collection method: clinical testing. Allele origin: germline.

CeGaT Center for Human Genetics Tuebingen
Classification: Uncertain significance. Last evaluated: 2017-08-01. Review status: criteria provided, single submitter. Criteria: CeGaT Center For Human Genetics Tuebingen Variant Classification Criteria Version 2. Collection method: clinical testing. Allele origin: germline. Affected: yes. Observed: 1 variant allele.

NM_181486.4(TBX5):c.1477G>A (p.Val493Met)

Gene: TBX5 (T-box transcription factor 5; minus strand). Cytogenetic location: 12q24.21.
Variant type: single nucleotide variant.
Coding change: c.1477G>A on transcript NM_181486.4 (MANE Select); coding-DNA position 1477, G replaced by A.
Protein change: p.Val493Met; replaces valine 493 with methionine.
Molecular consequence: missense variant.
Genome position (GRCh38, 1-based): chr12:114,355,612, C>T on the plus strand (G>A on the coding strand, the complement: TBX5 is on the minus strand). VCF-style: chr12-114355612-C-T. GRCh37 (hg19) VCF-style: chr12-114793417-C-T.
Other names: c.1477G>A, p.Val493Met (NM_000192.3); c.1327G>A, p.Val443Met (NM_080717.4); short protein forms V443M, V493M.
Identifiers: ClinVar variation 806953 (VCV000806953.53), dbSNP rs556197042, ClinGen allele CA6809329.
Genomic context (GRCh38, chr12:114,355,612, plus strand): 5'-CTGGCACCATGCCAACTCCGTGCACAGAGTGGTACTGATGAGGGGATAGAGTCCTTGGCA[C>T]GCCATGAGAGTAGAGGAACTCAGGGGGCTGAAGGGTGCCAGGGGACTGCAGGCCAGTCTG-3'
Protein context (NP_852259.1, residues 483-503): QPPEFLYSHG[Val493Met]PRTLSPHQYH